The following is an entry in ClinVar:

NM_004813.4(PEX16):c.832A>G (p.Thr278Ala)

Gene: PEX16 (peroxisomal biogenesis factor 16; minus strand). Cytogenetic location: 11p11.2.
Variant type: single nucleotide variant.
Coding change: c.832A>G on transcript NM_004813.4 (MANE Select); coding-DNA position 832, A replaced by G.
Protein change: p.Thr278Ala; replaces threonine 278 with alanine.
Molecular consequence: missense variant.
Genome position (GRCh38, 1-based): chr11:45,913,874, T>C on the plus strand (A>G on the coding strand, the complement: PEX16 is on the minus strand). VCF-style: chr11-45913874-T-C. GRCh37 (hg19) VCF-style: chr11-45935425-T-C.
Other names: c.832A>G, p.Thr278Ala (NM_057174.3); c.832A>G (NM_004813.2); short protein forms T278A.
Identifiers: ClinVar variation 1055142 (VCV001055142.8), dbSNP rs765797303, ClinGen allele CA5959806.

ClinVar aggregate classification (germline): Uncertain significance. Review status: criteria provided, multiple submitters, no conflicts (2 of 4 stars). 2 submissions from 2 submitters: Uncertain significance (2). Last evaluated 2026-07-06.

Conditions:
PEX16-related disorder. Also called: PEX16-related condition.
Peroxisome biogenesis disorder. Identifiers: Orphanet 79189, MedGen C1832200, MONDO:0019234. Disease mechanism: loss of function.

Allele frequency attached by ClinVar (database versions not stated): ExAC 0.00001; gnomAD exomes 0.00002 and 0.00009; TOPMed 0.00016; gnomAD 0.00019 and 0.00021.
gnomAD v4.1: 59 of 1,612,656 alleles (0.0037%); highest among the groups gnomAD compares: Admixed American, 0.085%; no homozygotes.

Submissions (2):

PreventionGenetics, part of Exact Sciences
Classification: Uncertain significance for PEX16-related condition. Last evaluated: 2026-07-06. Review status: criteria provided, single submitter. Criteria: ACMG Guidelines, 2015. Collection method: clinical testing. Allele origin: germline.
Comment: The PEX16 c.832A>G variant is predicted to result in the amino acid substitution p.Thr278Ala. To our knowledge, this variant has not been reported in the literature and has benign predictions of pathogenicity by the majority of in-silico tools. This variant is reported in 0.055% of alleles in individuals of Latino/Admixed American descent in gnomAD v2.1.1, which may be too frequent to be a primary cause of disease. Although we suspect this variant is benign, at this time the clinical significance of this variant is uncertain due to the absence of conclusive functional and genetic evidence.

Labcorp Genetics (formerly Invitae), Labcorp
Classification: Uncertain significance for Peroxisome biogenesis disorder. Last evaluated: 2024-10-16. Review status: criteria provided, single submitter. Criteria: Invitae Variant Classification Sherloc (09022015). Collection method: clinical testing. Allele origin: germline.
Comment: This sequence change replaces threonine, which is neutral and polar, with alanine, which is neutral and non-polar, at codon 278 of the PEX16 protein (p.Thr278Ala). This variant is present in population databases (rs765797303, gnomAD 0.06%). This variant has not been reported in the literature in individuals affected with PEX16-related conditions. ClinVar contains an entry for this variant (Variation ID: 1055142). Invitae Evidence Modeling of protein sequence and biophysical properties (such as structural, functional, and spatial information, amino acid conservation, physicochemical variation, residue mobility, and thermodynamic stability) indicates that this missense variant is not expected to disrupt PEX16 protein function with a negative predictive value of 80%. In summary, the available evidence is currently insufficient to determine the role of this variant in disease. Therefore, it has been classified as a Variant of Uncertain Significance.